The following is an entry in ClinVar:

NM_001111125.3(IQSEC2):c.4430C>T (p.Pro1477Leu)

Gene: IQSEC2 (IQ motif and Sec7 domain ArfGEF 2; minus strand). Cytogenetic location: Xp11.22.
Variant type: single nucleotide variant.
Coding change: c.4430C>T on transcript NM_001111125.3 (MANE Select); coding-DNA position 4430, C replaced by T.
Protein change: p.Pro1477Leu; replaces proline 1477 with leucine.
Molecular consequence: missense variant. On other transcripts: 3 prime UTR variant (1).
Genome position (GRCh38, 1-based): chrX:53,234,256, G>A on the plus strand (C>T on the coding strand, the complement: IQSEC2 is on the minus strand). VCF-style: chrX-53234256-G-A. GRCh37 (hg19) VCF-style: chrX-53263438-G-A.
Other names: c.*915C>T (NM_015075.2); short protein forms P1477L.
Identifiers: ClinVar variation 1206978 (VCV001206978.6), dbSNP rs2146999756, ClinGen allele CA413138229.

ClinVar aggregate classification (germline): Uncertain significance. Review status: criteria provided, multiple submitters, no conflicts (2 of 4 stars). 2 submissions from 2 submitters: Uncertain significance (2). Last evaluated 2023-08-17.

Conditions:
Intellectual developmental disorder, X-linked 1. Also called: Intellectual disability, X-linked 1; MENTAL RETARDATION, X-LINKED 18; MENTAL RETARDATION, X-LINKED 78; Atkin Flaitz Patil Smith syndrome. Identifiers: Orphanet 777, MedGen C2931498, MONDO:0010656, OMIM 309530.

Submissions (2):

Labcorp Genetics (formerly Invitae), Labcorp
Classification: Uncertain significance for Intellectual developmental disorder, X-linked 1. Last evaluated: 2023-08-17. Review status: criteria provided, single submitter. Criteria: Invitae Variant Classification Sherloc (09022015). Collection method: clinical testing. Allele origin: germline.
Comment: This sequence change replaces proline, which is neutral and non-polar, with leucine, which is neutral and non-polar, at codon 1477 of the IQSEC2 protein (p.Pro1477Leu). This variant is not present in population databases (gnomAD no frequency). This variant has not been reported in the literature in individuals affected with IQSEC2-related conditions. ClinVar contains an entry for this variant (Variation ID: 1206978). Advanced modeling of protein sequence and biophysical properties (such as structural, functional, and spatial information, amino acid conservation, physicochemical variation, residue mobility, and thermodynamic stability) performed at Invitae indicates that this missense variant is not expected to disrupt IQSEC2 protein function. In summary, the available evidence is currently insufficient to determine the role of this variant in disease. Therefore, it has been classified as a Variant of Uncertain Significance.

GeneDx
Classification: Uncertain significance. Last evaluated: 2019-05-20. Review status: criteria provided, single submitter. Criteria: GeneDx Variant Classification Process June 2021. Collection method: clinical testing. Allele origin: germline. Affected: yes.
Comment: Not observed in large population cohorts (Lek et al., 2016); In silico analysis, which includes protein predictors and evolutionary conservation, supports that this variant does not alter protein structure/function; Has not been previously published as pathogenic or benign to our knowledge